The following is an entry in ClinVar:

NM_020778.5(ALPK3):c.3362A>G (p.Gln1121Arg)

Gene: ALPK3 (alpha kinase 3; plus strand). Cytogenetic location: 15q25.3.
Variant type: single nucleotide variant.
Coding change: c.3362A>G on transcript NM_020778.5 (MANE Select); coding-DNA position 3362, A replaced by G.
Protein change: p.Gln1121Arg; replaces glutamine 1121 with arginine.
Molecular consequence: missense variant.
Genome position (GRCh38, 1-based): chr15:84,858,100, A>G. VCF-style: chr15-84858100-A-G. GRCh37 (hg19) VCF-style: chr15-85401331-A-G.
Other names: p.Gln1323Arg; short protein forms Q1323R, Q1121R.
Identifiers: ClinVar variation 386363 (VCV000386363.26), dbSNP rs114132013, ClinGen allele CA7709609.

ClinVar aggregate classification (germline): Benign/Likely benign. Review status: criteria provided, multiple submitters, no conflicts (2 of 4 stars). 11 submissions from 11 submitters: Benign (7); Likely benign (1). 3 of the submissions do not count toward it. Last evaluated 2026-03-27.

Conditions:
ALPK3-related disorder. Also called: ALPK3-related condition.
Cardiomyopathy, familial hypertrophic 27. Identifiers: MedGen C4748014, MONDO:0054838, OMIM 618052.
Cardiovascular phenotype. Identifiers: MedGen CN230736.

Allele frequency attached by ClinVar (database versions not stated): ExAC 0.00286; TOPMed 0.00899; 1000 Genomes Project 0.00679; gnomAD 0.00783 and 0.00860; gnomAD exomes 0.00210; ESP Exome Variant Server 0.00653; 1000 Genomes Project 30x 0.00687.

Submissions (11):

Molecular Diagnostic Laboratory for Inherited Cardiovascular Disease, Montreal Heart Institute
Classification: Likely benign. Last evaluated: 2026-03-27. Review status: criteria provided, single submitter. Criteria: ACMG Guidelines, 2015. Collection method: clinical testing. Allele origin: germline. Affected: no.

Labcorp Genetics (formerly Invitae), Labcorp
Classification: Benign. Last evaluated: 2026-02-03. Review status: criteria provided, single submitter. Criteria: Invitae Variant Classification Sherloc (09022015). Collection method: clinical testing. Allele origin: germline.

ARUP Laboratories, Molecular Genetics and Genomics, ARUP Laboratories
Classification: Benign for Cardiomyopathy, familial hypertrophic 27. Last evaluated: 2025-03-21. Review status: criteria provided, single submitter. Criteria: ARUP Molecular Germline Variant Investigation Process 2024. Collection method: clinical testing. Allele origin: germline.

Mayo Clinic Laboratories, Mayo Clinic
Classification: Benign. Last evaluated: 2023-12-05. Review status: criteria provided, single submitter. Criteria: ACMG Guidelines, 2015. Collection method: clinical testing. Allele origin: germline. Observed: 13 variant alleles.
Comment: BS1, BS2, BP4

Women's Health and Genetics/Laboratory Corporation of America, LabCorp
Classification: Benign. Last evaluated: 2023-04-18. Review status: criteria provided, single submitter. Criteria: LabCorp Variant Classification Summary - May 2015. Collection method: clinical testing. Allele origin: germline.
Comment: Variant summary: ALPK3 c.3362A>G (p.Gln1121Arg) results in a conservative amino acid change in the encoded protein sequence. Four of four in-silico tools predict a benign effect of the variant on protein function. The variant allele was found at a frequency of 0.0029 in 233564 control chromosomes (gnomAD), predominantly at a frequency of 0.028 within the African or African-American subpopulation in the gnomAD database, including 6 homozygotes. The observed variant frequency within African or African-American control individuals in the gnomAD database is approximately 4 fold of the estimated maximal expected allele frequency for a pathogenic variant in ALPK3 causing Cardiomyopathy phenotype (0.0071), strongly suggesting that the variant is a benign polymorphism found primarily in populations of African or African-American origin. To our knowledge, no occurrence of c.3362A>G in individuals affected with Cardiomyopathy and no experimental evidence demonstrating its impact on protein function have been reported. Four ClinVar submitters have assessed the variant since 2014: one classified the variant as likely benign, and three as benign. Based on the evidence outlined above, the variant was classified as benign.

Ambry Genetics
Classification: Benign for Cardiovascular phenotype. Last evaluated: 2018-12-26. Review status: criteria provided, single submitter. Criteria: Ambry Variant Classification Scheme 2023. Collection method: clinical testing. Allele origin: germline.

GeneDx
Classification: Benign. Last evaluated: 2016-10-24. Review status: criteria provided, single submitter. Criteria: GeneDx Variant Classification (06012015). Collection method: clinical testing. Allele origin: germline. Affected: yes.
Comment: This variant is considered likely benign or benign based on one or more of the following criteria: it is a conservative change, it occurs at a poorly conserved position in the protein, it is predicted to be benign by multiple in silico algorithms, and/or has population frequency not consistent with disease.

Breakthrough Genomics
Classification: Benign. Review status: criteria provided, single submitter. Criteria: ACMG Guidelines, 2015. Collection method: not provided. Allele origin: germline. Inheritance: Autosomal recessive inheritance. Affected: yes.

PreventionGenetics, part of Exact Sciences
Classification: Benign for ALPK3-related condition. Last evaluated: 2019-03-20. Review status: no assertion criteria provided. Collection method: clinical testing. Allele origin: germline. Not counted in ClinVar's aggregate classification.
Comment: This variant is classified as benign based on ACMG/AMP sequence variant interpretation guidelines (Richards et al. 2015 PMID: 25741868, with internal and published modifications).

Clinical Genetics DNA and cytogenetics Diagnostics Lab, Erasmus MC, Erasmus Medical Center
Classification: Benign. Review status: no assertion criteria provided. Collection method: clinical testing. Allele origin: germline. Affected: yes. Study: VKGL Data-share Consensus. Not counted in ClinVar's aggregate classification.

Clinical Genetics, Academic Medical Center
Classification: Benign. Review status: no assertion criteria provided. Collection method: clinical testing. Allele origin: germline. Affected: yes. Study: VKGL Data-share Consensus. Not counted in ClinVar's aggregate classification.